The following is an entry in ClinVar:

NM_001162383.2(ARHGEF2):c.519G>A (p.Gln173=)

Gene: ARHGEF2 (Rho/Rac guanine nucleotide exchange factor 2; minus strand). Cytogenetic location: 1q22.
Variant type: single nucleotide variant.
Coding change: c.519G>A on transcript NM_001162383.2 (MANE Select); coding-DNA position 519, G replaced by A.
Protein change: p.Gln173=; no amino-acid change (glutamine 173 retained).
Molecular consequence: synonymous variant.
Genome position (GRCh38, 1-based): chr1:155,965,364, C>T on the plus strand (G>A on the coding strand, the complement: ARHGEF2 is on the minus strand). VCF-style: chr1-155965364-C-T. GRCh37 (hg19) VCF-style: chr1-155935155-C-T.
Other names: c.519G>A, p.Gln173= (NM_001162384.2); c.438G>A, p.Gln146= (NM_001350110.2, NM_001350111.2, NM_004723.4); c.468G>A, p.Gln156= (NM_001350112.2).
Identifiers: ClinVar variation 3771609 (VCV003771609.13).

ClinVar aggregate classification (germline): Uncertain significance (1 of 4 stars; one submission).

gnomAD v4.1: 53 of 1,614,060 alleles (0.0033%); highest among the groups gnomAD compares: Non-Finnish European, 0.0038%; no homozygotes.

Submission:

CeGaT Center for Human Genetics Tuebingen
Classification: Uncertain significance. Last evaluated: 2024-12-01. Review status: criteria provided, single submitter. Criteria: CeGaT Center For Human Genetics Tuebingen Variant Classification Criteria Version 2. Collection method: clinical testing. Allele origin: germline. Affected: yes. Observed: 1 variant allele.
Comment: ARHGEF2: PM2